The following is an entry in ClinVar:

ClinVar aggregate classification (germline): Benign/Likely benign. Review status: criteria provided, multiple submitters, no conflicts (2 of 4 stars). 6 submissions from 6 submitters: Benign (2); Likely benign (4). Last evaluated 2025-12-16.

Allele frequency attached by ClinVar (database versions not stated): gnomAD exomes 0.00063 and 0.00133; ExAC 0.00100; 1000 Genomes Project 0.00559; gnomAD 0.00604 and 0.00643; 1000 Genomes Project 30x 0.00609; TOPMed 0.00662.
gnomAD v4.1: 1,798 of 1,506,664 alleles (0.12%); highest among the groups gnomAD compares: African/African-American, 2.2%; 21 homozygotes.

Submissions (6):

Labcorp Genetics (formerly Invitae), Labcorp
Classification: Benign. Last evaluated: 2025-12-16. Review status: criteria provided, single submitter. Criteria: Invitae Variant Classification Sherloc (09022015). Collection method: clinical testing. Allele origin: germline.

Genomic Medicine Center of Excellence, King Faisal Specialist Hospital and Research Centre
Classification: Likely benign. Last evaluated: 2025-08-18. Review status: criteria provided, single submitter. Criteria: ACMG Guidelines, 2015. Collection method: clinical testing. Allele origin: germline.

Blueprint Genetics
Classification: Likely benign. Last evaluated: 2024-11-20. Review status: criteria provided, single submitter. Criteria: ACMG Guidelines, 2015. Collection method: clinical testing. Allele origin: germline.

GeneDx
Classification: Benign. Last evaluated: 2019-03-14. Review status: criteria provided, single submitter. Criteria: GeneDx Variant Classification Process June 2021. Collection method: clinical testing. Allele origin: germline. Affected: yes.

Laboratory for Molecular Medicine, Mass General Brigham Personalized Medicine
Classification: Likely benign. Last evaluated: 2016-02-04. Review status: criteria provided, single submitter. Criteria: LMM Criteria. Collection method: clinical testing. Allele origin: germline. Observed: 4 variant alleles.
Comment: p.Leu2735Pro in exon 50 of OTOG: This variant is not expected to have clinical s ignificance because it has been identified in 1.5% (12/792) of African chromosom es by the Exome Aggregation Consortium (ExAC; db SNP rs180703235).

Breakthrough Genomics
Classification: Likely benign. Review status: criteria provided, single submitter. Criteria: ACMG Guidelines, 2015. Collection method: not provided. Allele origin: germline. Inheritance: Autosomal recessive inheritance. Affected: yes.

NM_001292063.2(OTOG):c.8168T>C (p.Leu2723Pro)

Gene: OTOG (otogelin; plus strand). Cytogenetic location: 11p15.1.
Variant type: single nucleotide variant.
Coding change: c.8168T>C on transcript NM_001292063.2 (MANE Select); coding-DNA position 8168, T replaced by C.
Protein change: p.Leu2723Pro; replaces leucine 2723 with proline.
Molecular consequence: missense variant.
Genome position (GRCh38, 1-based): chr11:17,641,069, T>C. VCF-style: chr11-17641069-T-C. GRCh37 (hg19) VCF-style: chr11-17662616-T-C.
Other names: c.8204T>C, p.Leu2735Pro (NM_001277269.2); short protein forms L2735P, L2723P.
Identifiers: ClinVar variation 227806 (VCV000227806.18), dbSNP rs180703235, ClinGen allele CA5906236.